The following is an entry in ClinVar:

ClinVar aggregate classification (germline): Conflicting classifications of pathogenicity. Review status: criteria provided, conflicting classifications (1 of 4 stars). 8 submissions from 5 submitters: Uncertain significance (7); Likely benign (1). Last evaluated 2025-08-18.

Conditions:
Cardiovascular phenotype. Identifiers: MedGen CN230736.
Long QT syndrome (LQTS). Identifiers: MedGen C0023976, MeSH D008133, MONDO:0002442. Disease mechanism: loss of function. Inheritance: Various modes of inheritance.
Dilated cardiomyopathy 3B (CMD3B). Also called: CMD3B: DMD-Related Dilated Cardiomyopathy; CARDIOMYOPATHY, DILATED, X-LINKED; DMD-Associated Dilated Cardiomyopathy. Identifiers: Orphanet 154, MedGen C3668940, MONDO:0010542, OMIM 302045.
Long QT syndrome 12 (LQT12). Identifiers: Orphanet 101016, Orphanet 768, MedGen C2751830, MONDO:0013062, OMIM 612955.
Becker muscular dystrophy (BMD). Also called: MUSCULAR DYSTROPHY, PSEUDOHYPERTROPHIC PROGRESSIVE, BECKER TYPE; Becker Muscular Dystrophy (BMD). Identifiers: Orphanet 98895, MedGen C0917713, MONDO:0010311, OMIM 300376.
Duchenne muscular dystrophy (DMD). Also called: Duchenne Muscular Dystrophy (DMD); MUSCULAR DYSTROPHY, PSEUDOHYPERTROPHIC PROGRESSIVE, DUCHENNE TYPE. Identifiers: Orphanet 98896, MedGen C0013264, MONDO:0010679, OMIM 310200.

Allele frequency attached by ClinVar (database versions not stated): ExAC 0.00002; gnomAD 0.00002; gnomAD exomes 0.00002 and 0.00005; TOPMed 0.00003.
gnomAD v4.1: 81 of 1,613,908 alleles (0.005%); highest among the groups gnomAD compares: Non-Finnish European, 0.0063%; no homozygotes.

Submissions (8):

Labcorp Genetics (formerly Invitae), Labcorp
Classification: Uncertain significance for Long QT syndrome. Last evaluated: 2025-08-18. Review status: criteria provided, single submitter. Criteria: Invitae Variant Classification Sherloc (09022015). Collection method: clinical testing. Allele origin: germline.
Comment: This sequence change replaces arginine, which is basic and polar, with glutamine, which is neutral and polar, at codon 207 of the SNTA1 protein (p.Arg207Gln). This variant is present in population databases (rs771180054, gnomAD 0.006%). This variant has not been reported in the literature in individuals affected with SNTA1-related conditions. ClinVar contains an entry for this variant (Variation ID: 264348). Invitae Evidence Modeling of protein sequence and biophysical properties (such as structural, functional, and spatial information, amino acid conservation, physicochemical variation, residue mobility, and thermodynamic stability) indicates that this missense variant is not expected to disrupt SNTA1 protein function with a negative predictive value of 80%. In summary, the available evidence is currently insufficient to determine the role of this variant in disease. Therefore, it has been classified as a Variant of Uncertain Significance.

Ambry Genetics
Classification: Likely benign for Cardiovascular phenotype. Last evaluated: 2022-08-11. Review status: criteria provided, single submitter. Criteria: Ambry Variant Classification Scheme 2023. Collection method: clinical testing. Allele origin: germline.

Fulgent Genetics
Classification: Uncertain significance for Long QT syndrome 12. Last evaluated: 2021-10-08. Review status: criteria provided, single submitter. Criteria: ACMG Guidelines, 2015. Collection method: clinical testing. Allele origin: unknown.

Knight Diagnostic Laboratories, Oregon Health and Sciences University
Classification: Uncertain significance. Last evaluated: 2019-07-29. Review status: criteria provided, single submitter. Criteria: ACMG Guidelines, 2015. Collection method: clinical testing. Allele origin: germline. Observed: 1 variant allele.

Phosphorus, Inc.
Classification: Uncertain significance for Becker muscular dystrophy. Last evaluated: 2017-08-01. Review status: criteria provided, single submitter. Criteria: ACMG Guidelines, 2015. Collection method: clinical testing. Allele origin: germline. Observed: 1 variant allele.

Phosphorus, Inc.
Classification: Uncertain significance for Dilated cardiomyopathy 3B. Last evaluated: 2017-08-01. Review status: criteria provided, single submitter. Criteria: ACMG Guidelines, 2015. Collection method: clinical testing. Allele origin: germline. Observed: 1 variant allele.

Phosphorus, Inc.
Classification: Uncertain significance for Duchenne muscular dystrophy. Last evaluated: 2017-08-01. Review status: criteria provided, single submitter. Criteria: ACMG Guidelines, 2015. Collection method: clinical testing. Allele origin: germline. Observed: 1 variant allele.

Phosphorus, Inc.
Classification: Uncertain significance for Long QT syndrome 12. Last evaluated: 2017-08-01. Review status: criteria provided, single submitter. Criteria: ACMG Guidelines, 2015. Collection method: clinical testing. Allele origin: germline. Observed: 1 variant allele.

NM_003098.3(SNTA1):c.620G>A (p.Arg207Gln)

Gene: SNTA1 (syntrophin alpha 1; minus strand). Cytogenetic location: 20q11.21.
Variant type: single nucleotide variant.
Coding change: c.620G>A on transcript NM_003098.3 (MANE Select); coding-DNA position 620, G replaced by A.
Protein change: p.Arg207Gln; replaces arginine 207 with glutamine.
Molecular consequence: missense variant.
Genome position (GRCh38, 1-based): chr20:33,417,800, C>T on the plus strand (G>A on the coding strand, the complement: SNTA1 is on the minus strand). VCF-style: chr20-33417800-C-T. GRCh37 (hg19) VCF-style: chr20-32005606-C-T.
Other names: short protein forms R207Q.
Identifiers: ClinVar variation 264348 (VCV000264348.14), dbSNP rs771180054, ClinGen allele CA9817183.